The following is an entry in ClinVar:

ClinVar aggregate classification (germline): Likely benign (1 of 4 stars; one submission).

Submission:

CeGaT Center for Human Genetics Tuebingen
Classification: Likely benign. Last evaluated: 2025-11-01. Review status: criteria provided, single submitter. Criteria: CeGaT Center For Human Genetics Tuebingen Variant Classification Criteria Version 2. Collection method: clinical testing. Allele origin: germline. Affected: yes. Observed: 1 variant allele.
Comment: PLA2G6: PM2:Supporting, BP4, BP7

NM_003560.4(PLA2G6):c.2035-906A>C

Gene: PLA2G6 (phospholipase A2 group VI; minus strand). Cytogenetic location: 22q13.1.
Variant type: single nucleotide variant.
Coding change: c.2035-906A>C on transcript NM_003560.4 (MANE Select); 906 bases into the intron before coding-DNA position 2035, A replaced by C.
Molecular consequence: intron variant.
Genome position (GRCh38, 1-based): chr22:38,114,560, T>G on the plus strand (A>C on the coding strand, the complement: PLA2G6 is on the minus strand). VCF-style: chr22-38114560-T-G. GRCh37 (hg19) VCF-style: chr22-38510567-T-G.
Other names: c.1357-906A>C (NM_001349868.2); c.1873-906A>C (NM_001349866.2, NM_001199562.3, NM_001349865.2 and 1 more transcripts); c.1339-906A>C (NM_001349869.2); c.1501-906A>C (NM_001349867.2); c.2035-906A>C (NM_001349864.2).
Identifiers: ClinVar variation 4535196 (VCV004535196.6).